The following is an entry in ClinVar:

ClinVar aggregate classification (germline): Likely benign. Review status: criteria provided, multiple submitters, no conflicts (2 of 4 stars). 3 submissions from 3 submitters: Likely benign (2). 1 of the submissions does not count toward it. Last evaluated 2025-11-17.

Conditions:
KMT2A-related disorder. Also called: KMT2A-related condition.

Allele frequency attached by ClinVar (database versions not stated): gnomAD exomes below 0.00001; gnomAD 0.00001; TOPMed 0.00002.
gnomAD v4.1: 9 of 1,613,678 alleles (0.00056%); highest among the groups gnomAD compares: East Asian, 0.0089%; no homozygotes.

Submissions (3):

Labcorp Genetics (formerly Invitae), Labcorp
Classification: Likely benign. Last evaluated: 2025-11-17. Review status: criteria provided, single submitter. Criteria: Invitae Variant Classification Sherloc (09022015). Collection method: clinical testing. Allele origin: germline.

Blueprint Genetics
Classification: Likely benign. Last evaluated: 2023-08-10. Review status: criteria provided, single submitter. Criteria: ACMG Guidelines, 2015. Collection method: clinical testing. Allele origin: germline.

PreventionGenetics, part of Exact Sciences
Classification: Likely benign for KMT2A-related condition. Last evaluated: 2022-03-17. Review status: no assertion criteria provided. Collection method: clinical testing. Allele origin: germline. Not counted in ClinVar's aggregate classification.
Comment: This variant is classified as likely benign based on ACMG/AMP sequence variant interpretation guidelines (Richards et al. 2015 PMID: 25741868, with internal and published modifications).

NM_001197104.2(KMT2A):c.6472A>C (p.Arg2158=)

Gene: KMT2A (lysine methyltransferase 2A; plus strand). Cytogenetic location: 11q23.3.
Variant type: single nucleotide variant.
Coding change: c.6472A>C on transcript NM_001197104.2 (MANE Select); coding-DNA position 6472, A replaced by C.
Protein change: p.Arg2158=; no amino-acid change (arginine 2158 retained).
Molecular consequence: synonymous variant.
Genome position (GRCh38, 1-based): chr11:118,501,824, A>C. VCF-style: chr11-118501824-A-C. GRCh37 (hg19) VCF-style: chr11-118372539-A-C.
Other names: c.6562A>C, p.Arg2188= (NM_001412597.1); c.6463A>C, p.Arg2155= (NM_005933.4).
Identifiers: ClinVar variation 2170527 (VCV002170527.7), dbSNP rs1466431896, ClinGen allele CA477093264.
Genomic context (GRCh38, chr11:118,501,824, plus strand): 5'-TATTATCATGTCATCTCAAAGGTCCCCAGGATTCGAACACCCAGTTATTCTCCAACACAG[A>C]GATCCCCTGGCTGTCGACCGTTGCCTTCTGCAGGTAAAAGACTTTATTGACCTACTTGAC-3'
Protein context (NP_001184033.1, residues 2148-2168): IRTPSYSPTQ[Arg2158=]SPGCRPLPSA